The following is an entry in ClinVar:

NM_000271.5(NPC1):c.1745C>A (p.Ala582Asp)

Gene: NPC1 (NPC intracellular cholesterol transporter 1; minus strand). Cytogenetic location: 18q11.2.
Variant type: single nucleotide variant.
Coding change: c.1745C>A on transcript NM_000271.5 (MANE Select); coding-DNA position 1745, C replaced by A.
Protein change: p.Ala582Asp; replaces alanine 582 with aspartic acid.
Molecular consequence: missense variant.
Genome position (GRCh38, 1-based): chr18:23,548,018, G>T on the plus strand (C>A on the coding strand, the complement: NPC1 is on the minus strand). VCF-style: chr18-23548018-G-T. GRCh37 (hg19) VCF-style: chr18-21127982-G-T.
Other names: short protein forms A582D.
Identifiers: ClinVar variation 1983696 (VCV001983696.1), dbSNP rs2058813321, ClinGen allele CA401773416.

ClinVar aggregate classification (germline): Uncertain significance (1 of 4 stars; one submission).

Conditions:
Niemann-Pick disease, type C1. Also called: NEUROVISCERAL STORAGE DISEASE WITH VERTICAL SUPRANUCLEAR OPHTHALMOPLEGIA; NIEMANN-PICK DISEASE WITH CHOLESTEROL ESTERIFICATION BLOCK; NIEMANN-PICK DISEASE WITHOUT SPHINGOMYELINASE DEFICIENCY; NIEMANN-PICK DISEASE, CHRONIC NEURONOPATHIC FORM; NIEMANN-PICK DISEASE, VARIANT TYPE C1. Identifiers: Orphanet 646, MedGen C3179455, MONDO:0009757, OMIM 257220.

Allele frequency attached by ClinVar (database versions not stated): gnomAD exomes below 0.00001.
gnomAD v4.1: 1 of 1,597,712 alleles (0.000063%); highest among the groups gnomAD compares: South Asian, 0.0011%; no homozygotes.

Submission:

Labcorp Genetics (formerly Invitae), Labcorp
Classification: Uncertain significance for Niemann-Pick disease, type C1. Last evaluated: 2022-03-19. Review status: criteria provided, single submitter. Criteria: Invitae Variant Classification Sherloc (09022015). Collection method: clinical testing. Allele origin: germline.
Comment: This sequence change replaces alanine, which is neutral and non-polar, with aspartic acid, which is acidic and polar, at codon 582 of the NPC1 protein (p.Ala582Asp). This variant is not present in population databases (gnomAD no frequency). This variant has not been reported in the literature in individuals affected with NPC1-related conditions. Advanced modeling of protein sequence and biophysical properties (such as structural, functional, and spatial information, amino acid conservation, physicochemical variation, residue mobility, and thermodynamic stability) performed at Invitae indicates that this missense variant is not expected to disrupt NPC1 protein function. In summary, the available evidence is currently insufficient to determine the role of this variant in disease. Therefore, it has been classified as a Variant of Uncertain Significance.